The following is an entry in ClinVar:

ClinVar aggregate classification (germline): Uncertain significance. Review status: criteria provided, multiple submitters, no conflicts (2 of 4 stars). 2 submissions from 2 submitters: Uncertain significance (2). Last evaluated 2022-07-08.

Conditions:
Long QT syndrome (LQTS). Identifiers: MedGen C0023976, MeSH D008133, MONDO:0002442. Disease mechanism: loss of function. Inheritance: Various modes of inheritance.

Submissions (2):

Clinical Genetics Laboratory, Skane University Hospital Lund
Classification: Uncertain significance. Last evaluated: 2022-07-08. Review status: criteria provided, single submitter. Criteria: ACMG Guidelines, 2015. Collection method: clinical testing. Allele origin: germline. Affected: yes.

Labcorp Genetics (formerly Invitae), Labcorp
Classification: Uncertain significance for Long QT syndrome. Last evaluated: 2022-03-24. Review status: criteria provided, single submitter. Criteria: Invitae Variant Classification Sherloc (09022015). Collection method: clinical testing. Allele origin: germline.
Comment: This sequence change replaces valine, which is neutral and non-polar, with methionine, which is neutral and non-polar, at codon 331 of the CACNA1C protein (p.Val331Met). In summary, the available evidence is currently insufficient to determine the role of this variant in disease. Therefore, it has been classified as a Variant of Uncertain Significance. Algorithms developed to predict the effect of missense changes on protein structure and function (SIFT, PolyPhen-2, Align-GVGD) all suggest that this variant is likely to be tolerated. This variant has not been reported in the literature in individuals affected with CACNA1C-related conditions. This variant is not present in population databases (gnomAD no frequency).

NM_000719.7(CACNA1C):c.991G>A (p.Val331Met)

Gene: CACNA1C (calcium voltage-gated channel subunit alpha1 C; plus strand). Cytogenetic location: 12p13.33.
Variant type: single nucleotide variant.
Coding change: c.991G>A on transcript NM_000719.7 (MANE Select); coding-DNA position 991, G replaced by A.
Protein change: p.Val331Met; replaces valine 331 with methionine.
Molecular consequence: missense variant.
Genome position (GRCh38, 1-based): chr12:2,493,264, G>A. VCF-style: chr12-2493264-G-A. GRCh37 (hg19) VCF-style: chr12-2602430-G-A.
Other names: c.991G>A, p.Val331Met (NM_001129827.2, NM_001129829.2, NM_001129830.3 and 18 more transcripts); c.982G>A, p.Val328Met (NM_001129844.2); short protein forms V328M, V331M.
Identifiers: ClinVar variation 1425587 (VCV001425587.9), dbSNP rs2154571838, ClinGen allele CA383369775.